The following is an entry in ClinVar:

NM_005491.5(MAMLD1):c.1050_1070del (p.Leu351_Pro357del)

Gene: MAMLD1 (mastermind like domain containing 1; plus strand). Cytogenetic location: Xq28.
Variant type: Deletion.
Coding change: c.1050_1070del on transcript NM_005491.5 (MANE Select); coding-DNA positions 1050 to 1070, 21 bases deleted (GCTGCCACTGCCACCACCACC).
Protein change: p.Leu351_Pro357del.
Genome position (GRCh38, 1-based): chrX:150,470,623-150,470,643, GCTGCCACTGCCACCACCACC deleted; deleting any 21 consecutive bases within chrX:150,470,615-150,470,643 gives the same sequence; the c. name uses the placement nearest the transcript's 3' end. VCF-style (leftmost placement, unchanged base first): chrX-150470614-CCCACCACCGCTGCCACTGCCA-C. GRCh37 (hg19) VCF-style: chrX-149638886-CCCACCACCGCTGCCACTGCCA-C.
Other names: c.975_995del, p.Leu326_Pro332del (NM_001177465.3, NM_001177466.3, NM_001400514.1); c.1050_1070del, p.Leu351_Pro357del (NM_001400512.1, NM_001400513.1, NM_001400515.1).
Identifiers: ClinVar variation 3708897 (VCV003708897.2).

ClinVar aggregate classification (germline): Uncertain significance (1 of 4 stars; one submission).

Submission:

Labcorp Genetics (formerly Invitae), Labcorp
Classification: Uncertain significance. Last evaluated: 2025-08-15. Review status: criteria provided, single submitter. Criteria: Invitae Variant Classification Sherloc (09022015). Collection method: clinical testing. Allele origin: germline.
Comment: This variant, c.1050_1070del, results in the deletion of 7 amino acid(s) of the MAMLD1 protein (p.Leu351_Pro357del), but otherwise preserves the integrity of the reading frame. This variant is present in population databases (rs781967572, gnomAD 0.004%). This variant has not been reported in the literature in individuals affected with MAMLD1-related conditions. ClinVar contains an entry for this variant (Variation ID: 3708897). Experimental studies and prediction algorithms are not available or were not evaluated, and the functional significance of this variant is currently unknown. In summary, the available evidence is currently insufficient to determine the role of this variant in disease. Therefore, it has been classified as a Variant of Uncertain Significance.